The following is an entry in ClinVar:

NM_182961.4(SYNE1):c.13656C>A (p.His4552Gln)

Gene: SYNE1 (spectrin repeat containing nuclear envelope protein 1; minus strand). Cytogenetic location: 6q25.2.
Variant type: single nucleotide variant.
Coding change: c.13656C>A on transcript NM_182961.4 (MANE Select); coding-DNA position 13656, C replaced by A.
Protein change: p.His4552Gln; replaces histidine 4552 with glutamine.
Molecular consequence: missense variant.
Genome position (GRCh38, 1-based): chr6:152,331,029, G>T on the plus strand (C>A on the coding strand, the complement: SYNE1 is on the minus strand). VCF-style: chr6-152331029-G-T. GRCh37 (hg19) VCF-style: chr6-152652164-G-T.
Other names: c.13443C>A (NM_033071.3); c.13443C>A, p.His4481Gln (NM_033071.5); short protein forms H4481Q, H4552Q.
Identifiers: ClinVar variation 1002216 (VCV001002216.11), dbSNP rs1267929537, ClinGen allele CA366100702.

ClinVar aggregate classification (germline): Uncertain significance. Review status: criteria provided, multiple submitters, no conflicts (2 of 4 stars). 2 submissions from 2 submitters: Uncertain significance (2). Last evaluated 2022-04-28.

Conditions:
Autosomal recessive ataxia, Beauce type. Also called: ATAXIA, RECESSIVE, OF BEAUCE; Spinocerebellar ataxia, autosomal recessive 8; SYNE1-Related Autosomal Recessive Cerebellar Ataxia; SYNE1 Deficiency. Identifiers: Orphanet 88644, MedGen C1853116, MONDO:0012549, OMIM 610743.
Emery-Dreifuss muscular dystrophy 4, autosomal dominant (EDMD4). Also called: EMERY-DREIFUSS MUSCULAR DYSTROPHY 4 WITH VARIABLE FEATURES. Identifiers: Orphanet 261, MedGen C2751807, MONDO:0013071, OMIM 612998.

Allele frequency attached by ClinVar (database versions not stated): gnomAD exomes below 0.00001; TOPMed 0.00002; gnomAD 0.00005 and 0.00006.
gnomAD v4.1: 11 of 1,613,948 alleles (0.00068%); highest among the groups gnomAD compares: African/African-American, 0.015%; no homozygotes.

Submissions (2):

Labcorp Genetics (formerly Invitae), Labcorp
Classification: Uncertain significance for Emery-Dreifuss muscular dystrophy 4, autosomal dominant; Autosomal recessive ataxia, Beauce type. Last evaluated: 2022-04-28. Review status: criteria provided, single submitter. Criteria: Invitae Variant Classification Sherloc (09022015). Collection method: clinical testing. Allele origin: germline.
Comment: This variant has not been reported in the literature in individuals affected with SYNE1-related conditions. This variant is present in population databases (no rsID available, gnomAD 0.008%). This sequence change replaces histidine, which is basic and polar, with glutamine, which is neutral and polar, at codon 4481 of the SYNE1 protein (p.His4481Gln). ClinVar contains an entry for this variant (Variation ID: 1002216). In summary, the available evidence is currently insufficient to determine the role of this variant in disease. Therefore, it has been classified as a Variant of Uncertain Significance. Algorithms developed to predict the effect of missense changes on protein structure and function output the following: SIFT: "Tolerated"; PolyPhen-2: "Benign"; Align-GVGD: "Class C0". The glutamine amino acid residue is found in multiple mammalian species, which suggests that this missense change does not adversely affect protein function.

Revvity Omics, Revvity
Classification: Uncertain significance. Last evaluated: 2019-04-24. Review status: criteria provided, single submitter. Criteria: ACMG Guidelines, 2015. Collection method: clinical testing. Allele origin: germline.